The following is an entry in ClinVar:

ClinVar aggregate classification (germline): Pathogenic (1 of 4 stars; one submission).

Conditions:
Acromesomelic dysplasia 1, Maroteaux type (AMD1). Also called: ST. HELENA DYSPLASIA; ACROMESOMELIC DYSPLASIA 1. Identifiers: Orphanet 40, MedGen C1864356, MONDO:0011275, OMIM 602875.
Tall stature-scoliosis-macrodactyly of the great toes syndrome. Also called: Epiphyseal chondrodysplasia, miura type. Identifiers: Orphanet 329191, MedGen C4014690, MONDO:0014401, OMIM 615923.

Submission:

Labcorp Genetics (formerly Invitae), Labcorp
Classification: Pathogenic for Tall stature-scoliosis-macrodactyly of the great toes syndrome; Acromesomelic dysplasia 1, Maroteaux type. Last evaluated: 2024-10-07. Review status: criteria provided, single submitter. Criteria: Invitae Variant Classification Sherloc (09022015). Collection method: clinical testing. Allele origin: germline.
Comment: This sequence change creates a premature translational stop signal (p.Gln241*) in the NPR2 gene. It is expected to result in an absent or disrupted protein product. Loss-of-function variants in NPR2 are known to be pathogenic (PMID: 15146390, 15572448, 16384845). This variant is not present in population databases (gnomAD no frequency). This variant has not been reported in the literature in individuals affected with NPR2-related conditions. ClinVar contains an entry for this variant (Variation ID: 2025379). For these reasons, this variant has been classified as Pathogenic.

Literature cited by the submitters: PubMed 15146390; PubMed 15572448; PubMed 16384845.

NM_003995.4(NPR2):c.721C>T (p.Gln241Ter)

Gene: NPR2 (natriuretic peptide receptor 2; plus strand). Cytogenetic location: 9p13.3.
Variant type: single nucleotide variant.
Coding change: c.721C>T on transcript NM_003995.4 (MANE Select); coding-DNA position 721, C replaced by T.
Protein change: p.Gln241Ter; replaces glutamine 241 with a stop codon.
Molecular consequence: nonsense.
Genome position (GRCh38, 1-based): chr9:35,793,951, C>T. VCF-style: chr9-35793951-C-T. GRCh37 (hg19) VCF-style: chr9-35793948-C-T.
Other names: c.721C>T, p.Gln241Ter (NM_001378923.1); short protein forms Q241*.
Identifiers: ClinVar variation 2025379 (VCV002025379.4), dbSNP rs2491031578, ClinGen allele CA373366944.
Genomic context (GRCh38, chr9:35,793,951, plus strand): 5'-CTCCCAGTTGTGTATATCTGCGGCCCTCTGGAGATGCTGCATGAGATCCTGCTTCAGGCC[C>T]AGAGGGAGAATCTGACCAATGGGGATTATGTCTTCTTTTACCTGGATGTCTTTGGGGAGA-3'